The following is an entry in ClinVar:

NM_000551.4(VHL):c.*66G>T

Genes: VHL (von Hippel-Lindau tumor suppressor; plus strand), LOC107303340 (3p25 von Hippel-Lindau tumor suppressor, E3 ubiquitin protein ligase Alu-mediated recombination region; plus strand). Cytogenetic location: 3p25.3.
Variant type: single nucleotide variant.
Coding change: c.*66G>T on transcript NM_000551.4 (MANE Select); 66 bases downstream of the stop codon, G replaced by T.
Molecular consequence: 3 prime UTR variant. On other transcripts: non-coding transcript variant (1).
Genome position (GRCh38, 1-based): chr3:10,150,031, G>T. VCF-style: chr3-10150031-G-T. GRCh37 (hg19) VCF-style: chr3-10191715-G-T.
Other names: c.*262G>T (NM_001354723.2); c.*66G>T (NM_198156.3).
Identifiers: ClinVar variation 3355077 (VCV003355077.1).

ClinVar aggregate classification (germline): Likely benign (0 of 4 stars; one submission).

Conditions:
VHL-related disorder. Also called: VHL-related condition.

gnomAD v4.1: 3 of 1,571,624 alleles (0.00019%); highest among the groups gnomAD compares: Admixed American, 0.0019%; no homozygotes.

Submission:

PreventionGenetics, part of Exact Sciences
Classification: Likely benign for VHL-related condition. Last evaluated: 2024-04-08. Review status: no assertion criteria provided. Collection method: clinical testing. Allele origin: germline.
Comment: This variant is classified as likely benign based on ACMG/AMP sequence variant interpretation guidelines (Richards et al. 2015 PMID: 25741868, with internal and published modifications).